The following is an entry in ClinVar:

ClinVar aggregate classification (germline): Uncertain significance (1 of 4 stars; one submission).

Conditions:
Cystic fibrosis (CF). Also called: MUCOVISCIDOSIS. Identifiers: Orphanet 586, MedGen C0010674, MONDO:0009061, OMIM 219700. Disease mechanism: loss of function.

Submission:

Ambry Genetics
Classification: Uncertain significance for Cystic fibrosis. Last evaluated: 2026-09-09. Review status: criteria provided, single submitter. Criteria: Ambry Variant Classification Scheme 2023. Collection method: clinical testing. Allele origin: germline.
Comment: The p.V1147L variant (also known as c.3439G>C), located in coding exon 21 of the CFTR gene, results from a G to C substitution at nucleotide position 3439. The valine at codon 1147 is replaced by leucine, an amino acid with highly similar properties. This amino acid position is conserved. In addition, this alteration is predicted to be deleterious by in silico analysis. Based on the available evidence, the clinical significance of this variant remains unclear.

NM_000492.4(CFTR):c.3439G>C (p.Val1147Leu)

Genes: CFTR (CF transmembrane conductance regulator; plus strand), CFTR-AS2 (CFTR antisense RNA 2; minus strand). Cytogenetic location: 7q31.2.
Variant type: single nucleotide variant.
Coding change: c.3439G>C on transcript NM_000492.4 (MANE Select); coding-DNA position 3439, G replaced by C.
Protein change: p.Val1147Leu; replaces valine 1147 with leucine.
Molecular consequence: missense variant.
Genome position (GRCh38, 1-based): chr7:117,614,684, G>C. VCF-style: chr7-117614684-G-C. GRCh37 (hg19) VCF-style: chr7-117254738-G-C.
Other names: short protein forms V1147L.
Identifiers: ClinVar variation 5034488 (VCV005034488.1).
Genomic context (GRCh38, chr7:117,614,684, plus strand): 5'-GGAAGAGTTGGTATTATCCTGACTTTAGCCATGAATATCATGAGTACATTGCAGTGGGCT[G>C]TAAACTCCAGCATAGATGTGGATAGCTTGGTAAGTCTTATCATCTTTTTAACTTTTATGA-3'
Protein context (NP_000483.3, residues 1137-1157): MNIMSTLQWA[Val1147Leu]NSSIDVDSLM